The following is an entry in ClinVar:

NM_015937.6(PIGT):c.221G>T (p.Gly74Val)

Gene: PIGT (phosphatidylinositol glycan anchor biosynthesis class T; plus strand). Cytogenetic location: 20q13.12.
Variant type: single nucleotide variant.
Coding change: c.221G>T on transcript NM_015937.6 (MANE Select); coding-DNA position 221, G replaced by T.
Protein change: p.Gly74Val; replaces glycine 74 with valine.
Molecular consequence: missense variant. On other transcripts: non-coding transcript variant (3), intron variant (1).
Genome position (GRCh38, 1-based): chr20:45,416,550, G>T. VCF-style: chr20-45416550-G-T. GRCh37 (hg19) VCF-style: chr20-44045190-G-T.
Other names: c.221G>T, p.Gly74Val (NM_001184728.3, NM_001184729.3); c.187+207G>T (NM_001184730.3); short protein forms G74V.
Identifiers: ClinVar variation 1911338 (VCV001911338.3), dbSNP rs137946450, ClinGen allele CA9877828.
Genomic context (GRCh38, chr20:45,416,550, plus strand): 5'-GTCACTCACCTGCTCCCGTTTCCCCAGTGTCCCATTACAGGCTCTTTCCCAAAGCCCTGG[G>T]GCAGCTGATCTCCAAGTATTCTCTACGGGAGCTGCACCTGTCATTCACACAAGGCTTTTG-3'
Protein context (NP_057021.2, residues 64-84): SHYRLFPKAL[Gly74Val]QLISKYSLRE

ClinVar aggregate classification (germline): Uncertain significance. Review status: criteria provided, multiple submitters, no conflicts (2 of 4 stars). 2 submissions from 2 submitters: Uncertain significance (2). Last evaluated 2025-05-29.

Conditions:
Multiple congenital anomalies-hypotonia-seizures syndrome 3 (MCAHS3). Also called: GLYCOSYLPHOSPHATIDYLINOSITOL BIOSYNTHESIS DEFECT 7. Identifiers: Orphanet 369837, MedGen C3809356, MONDO:0014165, OMIM 615398.

Allele frequency attached by ClinVar (database versions not stated): gnomAD 0.00002; TOPMed 0.00005; ExAC 0.00008; gnomAD exomes 0.00014; ESP Exome Variant Server 0.00015.
gnomAD v4.1: 194 of 1,614,052 alleles (0.012%); highest among the groups gnomAD compares: Non-Finnish European, 0.016%; no homozygotes.

Submissions (2):

Women's Health and Genetics/Laboratory Corporation of America, LabCorp
Classification: Uncertain significance. Last evaluated: 2025-05-29. Review status: criteria provided, single submitter. Criteria: LabCorp Variant Classification Summary - May 2015. Collection method: clinical testing. Allele origin: germline.
Comment: Variant summary: PIGT c.221G>T (p.Gly74Val) results in a non-conservative amino acid change in the encoded protein sequence. Algorithms developed to predict the effect of missense changes on protein structure and function are either unavailable or do not agree on the potential impact of this missense change. The variant allele was found at a frequency of 4.8e-05 in 251346 control chromosomes. This frequency is not significantly higher than estimated for a pathogenic variant in PIGT causing Multiple Congenital Anomalies-Hypotonia Syndrome 3, allowing no conclusion about variant significance. To our knowledge, no occurrence of c.221G>T in individuals affected with Multiple Congenital Anomalies-Hypotonia Syndrome 3 and no experimental evidence demonstrating its impact on protein function have been reported. ClinVar contains an entry for this variant (Variation ID: 1911338). Based on the evidence outlined above, the variant was classified as uncertain significance.

Labcorp Genetics (formerly Invitae), Labcorp
Classification: Uncertain significance for Multiple congenital anomalies-hypotonia-seizures syndrome 3. Last evaluated: 2022-06-15. Review status: criteria provided, single submitter. Criteria: Invitae Variant Classification Sherloc (09022015). Collection method: clinical testing. Allele origin: germline.
Comment: This sequence change replaces glycine, which is neutral and non-polar, with valine, which is neutral and non-polar, at codon 74 of the PIGT protein (p.Gly74Val). This variant is present in population databases (rs137946450, gnomAD 0.009%). This variant has not been reported in the literature in individuals affected with PIGT-related conditions. Algorithms developed to predict the effect of missense changes on protein structure and function are either unavailable or do not agree on the potential impact of this missense change (SIFT: "Tolerated"; PolyPhen-2: "Probably Damaging"; Align-GVGD: "Class C0"). In summary, the available evidence is currently insufficient to determine the role of this variant in disease. Therefore, it has been classified as a Variant of Uncertain Significance.